The following is an entry in ClinVar:

ClinVar aggregate classification (germline): Uncertain significance (1 of 4 stars; one submission).

Submission:

Labcorp Genetics (formerly Invitae), Labcorp
Classification: Uncertain significance. Last evaluated: 2026-01-22. Review status: criteria provided, single submitter. Criteria: Invitae Variant Classification Sherloc (09022015). Collection method: clinical testing. Allele origin: germline.
Comment: This sequence change replaces glycine, which is neutral and non-polar, with arginine, which is basic and polar, at codon 74 of the MED17 protein (p.Gly74Arg). This variant is not present in population databases (gnomAD no frequency). This variant has not been reported in the literature in individuals affected with MED17-related conditions. Invitae Evidence Modeling of protein sequence and biophysical properties (such as structural, functional, and spatial information, amino acid conservation, physicochemical variation, residue mobility, and thermodynamic stability) indicates that this missense variant is not expected to disrupt MED17 protein function with a negative predictive value of 80%. In summary, the available evidence is currently insufficient to determine the role of this variant in disease. Therefore, it has been classified as a Variant of Uncertain Significance.

NM_004268.5(MED17):c.220G>C (p.Gly74Arg)

Genes: MED17 (mediator complex subunit 17; plus strand), LOC130006596 (ATAC-STARR-seq lymphoblastoid silent region 3840; plus strand). Cytogenetic location: 11q21.
Variant type: single nucleotide variant.
Coding change: c.220G>C on transcript NM_004268.5 (MANE Select); coding-DNA position 220, G replaced by C.
Protein change: p.Gly74Arg; replaces glycine 74 with arginine.
Molecular consequence: missense variant.
Genome position (GRCh38, 1-based): chr11:93,784,733, G>C. VCF-style: chr11-93784733-G-C. GRCh37 (hg19) VCF-style: chr11-93517899-G-C.
Other names: short protein forms G74R.
Identifiers: ClinVar variation 4799021 (VCV004799021.1).